The following is an entry in ClinVar:

ClinVar aggregate classification (germline): Pathogenic (1 of 4 stars; one submission).

Submission:

Labcorp Genetics (formerly Invitae), Labcorp
Classification: Pathogenic. Last evaluated: 2024-01-21. Review status: criteria provided, single submitter. Criteria: Invitae Variant Classification Sherloc (09022015). Collection method: clinical testing. Allele origin: germline.
Comment: This sequence change creates a premature translational stop signal (p.His487Alafs*12) in the ACAD9 gene. It is expected to result in an absent or disrupted protein product. Loss-of-function variants in ACAD9 are known to be pathogenic (PMID: 25721401). This variant is not present in population databases (gnomAD no frequency). This variant has not been reported in the literature in individuals affected with ACAD9-related conditions. For these reasons, this variant has been classified as Pathogenic.

Literature cited by the submitters: PubMed 25721401.

NM_014049.5(ACAD9):c.1459_1469del (p.His487fs)

Gene: ACAD9 (acyl-CoA dehydrogenase family member 9; plus strand). Cytogenetic location: 3q21.3.
Variant type: Deletion.
Coding change: c.1459_1469del on transcript NM_014049.5 (MANE Select); coding-DNA positions 1459 to 1469, 11 bases deleted (CATGGAGTTGT).
Protein change: p.His487fs; shifts the reading frame from histidine 487.
Molecular consequence: frameshift variant. On other transcripts: non-coding transcript variant (1).
Genome position (GRCh38, 1-based): chr3:128,909,073-128,909,083, CATGGAGTTGT deleted. VCF-style (leftmost placement, unchanged base first): chr3-128909072-CCATGGAGTTGT-C. GRCh37 (hg19) VCF-style: chr3-128627915-CCATGGAGTTGT-C.
Other names: c.1090_1100del, p.His364fs (NM_001410805.1); short protein forms H364fs, H487fs.
Identifiers: ClinVar variation 2710589 (VCV002710589.3), dbSNP rs2529279291, ClinGen allele CA2697556837.